The following is an entry in ClinVar:

NM_000124.4(ERCC6):c.3412dup (p.Thr1138fs)

Gene: ERCC6 (ERCC excision repair 6, chromatin remodeling factor; minus strand). Cytogenetic location: 10q11.23.
Variant type: Duplication.
Coding change: c.3412dup on transcript NM_000124.4 (MANE Select); coding-DNA position 3412, one base duplicated (A; older notation c.3412dupA).
Protein change: p.Thr1138fs; shifts the reading frame from threonine 1138.
Molecular consequence: frameshift variant.
Genome position (GRCh38, 1-based): chr10:49,470,548, T duplicated on the plus strand (A on the coding strand, the reverse complement: ERCC6 is on the minus strand); the first of 4 consecutive T bases (chr10:49,470,548-49,470,551); duplicating any one gives the same sequence. VCF-style (leftmost placement, unchanged base first): chr10-49470547-G-GT. GRCh37 (hg19) VCF-style: chr10-50678593-G-GT.
Other names: c.3412dup, p.Thr1138fs (NM_001346440.2); short protein forms T1138fs.
Identifiers: ClinVar variation 190166 (VCV000190166.5), dbSNP rs786205170, ClinGen allele CA274706.
Genomic context (GRCh38, chr10:49,470,547, plus strand): 5'-TCTCTTTTGTAAGAAAGACCTAACTTTTCATCAATGCTTTCATCACCAGATGGCATAGAA[G>GT]TTTTGCCTGTTCCTGAAGAATTTGAACATTCCCCATTTCCACTAATCACTGACAACTCTT-3'

ClinVar aggregate classification (germline): Pathogenic. Review status: criteria provided, multiple submitters, no conflicts (2 of 4 stars). 3 submissions from 3 submitters: Pathogenic (2). 1 of the submissions does not count toward it. Last evaluated 2023-06-16.

Conditions:
DE SANCTIS-CACCHIONE SYNDROME. Identifiers: MedGen C0265201, MONDO:0010217, OMIM 278800.
Cerebrooculofacioskeletal syndrome 1 (COFS1). Also called: Cerebro-oculo-facio-skeletal syndrome 1. Identifiers: MedGen C0220722, MONDO:0008955, OMIM 214150.
Cockayne syndrome type 2 (CSB). Also called: COCKAYNE SYNDROME B; Cockayne Syndrome, Type II. Identifiers: Orphanet 191, Orphanet 90322, MedGen C0751038, MONDO:0019570, OMIM 133540.

Submissions (3):

Labcorp Genetics (formerly Invitae), Labcorp
Classification: Pathogenic. Last evaluated: 2023-06-16. Review status: criteria provided, single submitter. Criteria: Invitae Variant Classification Sherloc (09022015). Collection method: clinical testing. Allele origin: germline.
Comment: This sequence change creates a premature translational stop signal (p.Thr1138Asnfs*7) in the ERCC6 gene. It is expected to result in an absent or disrupted protein product. Loss-of-function variants in ERCC6 are known to be pathogenic (PMID: 18628313, 29572252). This variant is not present in population databases (gnomAD no frequency). This variant has not been reported in the literature in individuals affected with ERCC6-related conditions. ClinVar contains an entry for this variant (Variation ID: 190166). For these reasons, this variant has been classified as Pathogenic.

Claritas Genomics
Classification: Pathogenic for Cockayne syndrome, type B. Last evaluated: 2011-11-18. Review status: criteria provided, single submitter. Criteria: ACMG Guidelines, 2007. Collection method: clinical testing. Allele origin: germline. Inheritance: Autosomal recessive inheritance.

Counsyl
Classification: Likely pathogenic for Cockayne syndrome type 2; Cerebrooculofacioskeletal syndrome 1; DE SANCTIS-CACCHIONE SYNDROME. Last evaluated: 2017-07-31. Review status: no assertion criteria provided. Collection method: clinical testing. Allele origin: unknown. Not counted in ClinVar's aggregate classification.

Literature cited by the submitters: PubMed 18628313 (cited by Labcorp Genetics (formerly Invitae), Labcorp); PubMed 29572252 (cited by Labcorp Genetics (formerly Invitae), Labcorp).